The following is an entry in ClinVar:

NM_004304.5(ALK):c.3772A>G (p.Thr1258Ala)

Gene: ALK (ALK receptor tyrosine kinase; minus strand). Cytogenetic location: 2p23.2.
Variant type: single nucleotide variant.
Coding change: c.3772A>G on transcript NM_004304.5 (MANE Select); coding-DNA position 3772, A replaced by G.
Protein change: p.Thr1258Ala; replaces threonine 1258 with alanine.
Molecular consequence: missense variant.
Genome position (GRCh38, 1-based): chr2:29,209,850, T>C on the plus strand (A>G on the coding strand, the complement: ALK is on the minus strand). VCF-style: chr2-29209850-T-C. GRCh37 (hg19) VCF-style: chr2-29432716-T-C.
Other names: c.568A>G, p.Thr190Ala (NM_001353765.2); short protein forms T1258A, T190A.
Identifiers: ClinVar variation 1482837 (VCV001482837.8), dbSNP rs2148155294, ClinGen allele CA346469765.
Genomic context (GRCh38, chr2:29,209,850, plus strand): 5'-AGATGTCTCGGGCCATCCCGAAGTCTCCAATCTTGGCCACTCTTCCAGGGCCTGGACAGG[T>C]CAAGAGGCAGTTTCTGGCAGCAATGTCTCTGGGAAGAAAGGAAATGCATTTCCTAATTTT-3'
Protein context (NP_004295.2, residues 1248-1268): RDIAARNCLL[Thr1258Ala]CPGPGRVAKI

ClinVar aggregate classification (germline): Uncertain significance (1 of 4 stars; one submission).

Conditions:
Neuroblastoma, susceptibility to, 3. Also called: ALK-Related Neuroblastic Tumor Susceptibility. Identifiers: Orphanet 635, MedGen C2751681, MONDO:0013083, OMIM 613014.

Submission:

Labcorp Genetics (formerly Invitae), Labcorp
Classification: Uncertain significance for Neuroblastoma, susceptibility to, 3. Last evaluated: 2021-02-20. Review status: criteria provided, single submitter. Criteria: Invitae Variant Classification Sherloc (09022015). Collection method: clinical testing. Allele origin: germline.
Comment: In summary, the available evidence is currently insufficient to determine the role of this variant in disease. Therefore, it has been classified as a Variant of Uncertain Significance. Algorithms developed to predict the effect of missense changes on protein structure and function (SIFT, PolyPhen-2, Align-GVGD) all suggest that this variant is likely to be disruptive, but these predictions have not been confirmed by published functional studies and their clinical significance is uncertain. This variant has not been reported in the literature in individuals with ALK-related conditions. This variant is not present in population databases (ExAC no frequency). This sequence change replaces threonine with alanine at codon 1258 of the ALK protein (p.Thr1258Ala). The threonine residue is highly conserved and there is a small physicochemical difference between threonine and alanine.